The following is an entry in ClinVar:

NM_001024383.2(NAV3):c.1429A>G (p.Lys477Glu)

Gene: NAV3 (neuron navigator 3; plus strand). Cytogenetic location: 12q21.2.
Variant type: single nucleotide variant.
Coding change: c.1429A>G on transcript NM_001024383.2 (MANE Select); coding-DNA position 1429, A replaced by G.
Protein change: p.Lys477Glu; replaces lysine 477 with glutamic acid.
Molecular consequence: missense variant.
Genome position (GRCh38, 1-based): chr12:78,006,967, A>G. VCF-style: chr12-78006967-A-G. GRCh37 (hg19) VCF-style: chr12-78400747-A-G.
Other names: c.1429A>G, p.Lys477Glu (NM_014903.6); short protein forms K477E.
Identifiers: ClinVar variation 3905994 (VCV003905994.10).

ClinVar aggregate classification (germline): Uncertain significance (1 of 4 stars; one submission).

Submission:

CeGaT Center for Human Genetics Tuebingen
Classification: Uncertain significance. Last evaluated: 2025-05-01. Review status: criteria provided, single submitter. Criteria: CeGaT Center For Human Genetics Tuebingen Variant Classification Criteria Version 2. Collection method: clinical testing. Allele origin: germline. Affected: yes. Observed: 1 variant allele.
Comment: NAV3: PM2, BP4